The following is an entry in ClinVar:

NM_001036.6(RYR3):c.1438-3C>T

Gene: RYR3 (ryanodine receptor 3; plus strand). Cytogenetic location: 15q14.
Variant type: single nucleotide variant.
Coding change: c.1438-3C>T on transcript NM_001036.6 (MANE Select); 3 bases into the intron before coding-DNA position 1438, C replaced by T.
Molecular consequence: intron variant.
Genome position (GRCh38, 1-based): chr15:33,581,505, C>T. VCF-style: chr15-33581505-C-T. GRCh37 (hg19) VCF-style: chr15-33873706-C-T.
Other names: c.1438-3C>T (NM_001243996.4).
Identifiers: ClinVar variation 846779 (VCV000846779.9), dbSNP rs2058591816, ClinGen allele CA916083409.

ClinVar aggregate classification (germline): Uncertain significance (1 of 4 stars; one submission).

Conditions:
Epileptic encephalopathy. Identifiers: MedGen C0543888, HP:0200134.

Allele frequency attached by ClinVar (database versions not stated): gnomAD exomes below 0.00001.
gnomAD v4.1: 1 of 1,613,186 alleles (0.000062%); highest among the groups gnomAD compares: Non-Finnish European, 0.000085%; no homozygotes.

Submission:

Labcorp Genetics (formerly Invitae), Labcorp
Classification: Uncertain significance for Epileptic encephalopathy. Last evaluated: 2019-06-03. Review status: criteria provided, single submitter. Criteria: Invitae Variant Classification Sherloc (09022015). Collection method: clinical testing. Allele origin: germline.
Comment: In summary, the available evidence is currently insufficient to determine the role of this variant in disease. Therefore, it has been classified as a Variant of Uncertain Significance. Nucleotide substitutions within the consensus splice site are a relatively common cause of aberrant splicing (PMID: 17576681, 9536098). Algorithms developed to predict the effect of sequence changes on RNA splicing suggest that this variant is not likely to affect RNA splicing, but this prediction has not been confirmed by published transcriptional studies. This variant has not been reported in the literature in individuals with RYR3-related conditions. This variant is not present in population databases (ExAC no frequency). This sequence change falls in intron 13 of the RYR3 gene. It does not directly change the encoded amino acid sequence of the RYR3 protein, but it affects a nucleotide within the consensus splice site of the intron.

Literature cited by the submitters: PubMed 17576681; PubMed 9536098.